The following is an entry in ClinVar:

ClinVar aggregate classification (germline): Likely benign. Review status: criteria provided, multiple submitters, no conflicts (2 of 4 stars). 3 submissions from 3 submitters: Likely benign (3). Last evaluated 2025-07-16.

Conditions:
Hereditary cancer-predisposing syndrome. Also called: Tumor predisposition; Hereditary Cancer Syndrome; Hereditary neoplastic syndrome; Neoplastic Syndromes, Hereditary. Identifiers: Orphanet 140162, MedGen C0027672, MeSH D009386, MONDO:0015356.
Neurofibromatosis, type 1 (NF1). Also called: VON RECKLINGHAUSEN DISEASE; NEUROFIBROMATOSIS, TYPE I, SOMATIC; Peripheral type neurofibromatosis; Neurofibromatosis, type I. Identifiers: Orphanet 636, MedGen C0027831, MONDO:0018975, OMIM 162200. Disease mechanism: loss of function.

Allele frequency attached by ClinVar (database versions not stated): gnomAD exomes below 0.00001; ExAC 0.00001.
gnomAD v4.1: 3 of 1,614,176 alleles (0.00019%); highest among the groups gnomAD compares: Non-Finnish European, 0.00025%; no homozygotes.

Submissions (3):

Labcorp Genetics (formerly Invitae), Labcorp
Classification: Likely benign for Neurofibromatosis, type 1. Last evaluated: 2025-07-16. Review status: criteria provided, single submitter. Criteria: Invitae Variant Classification Sherloc (09022015). Collection method: clinical testing. Allele origin: germline.

Genome-Nilou Lab
Classification: Likely benign for Neurofibromatosis, type 1. Last evaluated: 2022-03-15. Review status: criteria provided, single submitter. Criteria: ACMG Guidelines, 2015. Collection method: clinical testing. Allele origin: germline. Affected: no.

Ambry Genetics
Classification: Likely benign for Hereditary cancer-predisposing syndrome. Last evaluated: 2015-07-29. Review status: criteria provided, single submitter. Criteria: Ambry Autosomal Dominant and X-Linked criteria (10/2015). Collection method: clinical testing. Allele origin: germline. Observed: 1 variant allele.
Comment: In silico models in agreement (benign);Synonymous alterations with insufficient evidence to classify as benign

NM_001042492.3(NF1):c.3513G>A (p.Lys1171=)

Gene: NF1 (neurofibromin 1; plus strand). Cytogenetic location: 17q11.2.
Variant type: single nucleotide variant.
Coding change: c.3513G>A on transcript NM_001042492.3 (MANE Select); coding-DNA position 3513, G replaced by A.
Protein change: p.Lys1171=; no amino-acid change (lysine 1171 retained).
Molecular consequence: synonymous variant.
Genome position (GRCh38, 1-based): chr17:31,233,018, G>A. VCF-style: chr17-31233018-G-A. GRCh37 (hg19) VCF-style: chr17-29560036-G-A.
Other names: c.3513G>A, p.Lys1171= (NM_000267.4).
Identifiers: ClinVar variation 233227 (VCV000233227.10), dbSNP rs765438014, ClinGen allele CA8486191.
Genomic context (GRCh38, chr17:31,233,018, plus strand): 5'-AGCAAGGCCATGTTAGTAAATTTGCATCTGTTTGTCCACATTAGGCTTAGGTTACCACAA[G>A]GATCTCCAGACAAGAGCTACATTTATGGAAGTTCTGACAAAAATCCTTCAACAAGGCACA-3'
Protein context (NP_001035957.1, residues 1161-1181): LMHSIGLGYH[Lys1171=]DLQTRATFME